The following is an entry in ClinVar:

NM_001792.5(CDH2):c.1786C>G (p.Leu596Val)

Gene: CDH2 (cadherin 2; minus strand). Cytogenetic location: 18q12.1.
Variant type: single nucleotide variant.
Coding change: c.1786C>G on transcript NM_001792.5 (MANE Select); coding-DNA position 1786, C replaced by G.
Protein change: p.Leu596Val; replaces leucine 596 with valine.
Molecular consequence: missense variant.
Genome position (GRCh38, 1-based): chr18:27,985,717, G>C on the plus strand (C>G on the coding strand, the complement: CDH2 is on the minus strand). VCF-style: chr18-27985717-G-C. GRCh37 (hg19) VCF-style: chr18-25565681-G-C.
Other names: c.1693C>G, p.Leu565Val (NM_001308176.2); short protein forms L565V, L596V.
Identifiers: ClinVar variation 3221785 (VCV003221785.1), dbSNP rs2510793274, ClinGen allele CA402107576.
Genomic context (GRCh38, chr18:27,985,717, plus strand): 5'-GAGTTTCGCAAGTCTCTGCCTCTTGAGGTAACACTTGAGGGGCATTGTCATTAATATCAA[G>C]TAAATAGATCTGCAGCGTTCCTGTTCCACTCATAGGAGGAATTCCTGAAAAGAGAGAAAA-3'
Protein context (NP_001783.2, residues 586-606): SGTGTLQIYL[Leu596Val]DINDNAPQVL

ClinVar aggregate classification (germline): Uncertain significance (1 of 4 stars; one submission).

Conditions:
Inborn genetic diseases. Identifiers: MedGen C0950123, MeSH D030342.

Submission:

Ambry Genetics
Classification: Uncertain significance for Inborn genetic diseases. Last evaluated: 2023-09-24. Review status: criteria provided, single submitter. Criteria: Ambry Variant Classification Scheme 2023. Collection method: clinical testing. Allele origin: germline.
Comment: The p.L596V variant (also known as c.1786C>G), located in coding exon 12 of the CDH2 gene, results from a C to G substitution at nucleotide position 1786. The leucine at codon 596 is replaced by valine, an amino acid with highly similar properties. This amino acid position is conserved. In addition, the in silico prediction for this alteration is inconclusive. Since supporting evidence is limited at this time, the clinical significance of this alteration remains unclear.